The following is an entry in ClinVar:

ClinVar aggregate classification (germline): Pathogenic. Review status: criteria provided, multiple submitters, no conflicts (2 of 4 stars). 2 submissions from 2 submitters: Pathogenic (2). Last evaluated 2023-12-28.

Conditions:
Tuberous sclerosis 1 (TSC1). Identifiers: Orphanet 805, MedGen C1854465, MONDO:0008612, OMIM 191100.

Submissions (2):

Myriad Genetics, Inc.
Classification: Pathogenic for Tuberous sclerosis 1. Last evaluated: 2023-12-28. Review status: criteria provided, single submitter. Criteria: Myriad Autosomal Dominant, Autosomal Recessive and X-Linked Classification Criteria (2023). Collection method: clinical testing. Allele origin: unknown.
Comment: This variant is considered pathogenic. This variant creates a termination codon and is predicted to result in premature protein truncation.

Victorian Clinical Genetics Services, Murdoch Childrens Research Institute
Classification: Pathogenic for Tuberous sclerosis 1. Last evaluated: 2023-07-17. Review status: criteria provided, single submitter. Criteria: ACMG Guidelines, 2015. Collection method: clinical testing. Allele origin: germline. Inheritance: Autosomal dominant inheritance.
Comment: Based on the classification scheme VCGS_Germline_v1.3.4, this variant is classified as Pathogenic. Following criteria are met: 0102 - Loss of function is a known mechanism of disease in this gene and is associated with tuberous sclerosis-1 (MIM#191100). (I) 0107 - This gene is associated with autosomal dominant disease. (I) 0201 - Variant is predicted to cause nonsense-mediated decay (NMD) and loss of protein (premature termination codon is located at least 54 nucleotides upstream of the final exon-exon junction). (SP) 0251 - This variant is heterozygous. (I) 0301 - Variant is absent from gnomAD (both v2 and v3). (SP) 0701 - Other NMD-predicted variants comparable to the one identified in this case have very strong previous evidence for pathogenicity. Many other NMD-predicted variants have been reported as pathogenic, and observed in patients with tuberous sclerosis complex (Decipher, PMID: 32917966). (SP) 0807 - This variant has no previous evidence of pathogenicity. (I) 0905 - No published segregation evidence has been identified for this variant. (I) 1007 - No published functional evidence has been identified for this variant. (I) 1208 - Inheritance information for this variant is not currently available in this individual. (I) Legend: (SP) - Supporting pathogenic, (I) - Information, (SB) - Supporting benign

Literature cited by the submitters: PubMed 32917966 (cited by Victorian Clinical Genetics Services, Murdoch Childrens Research Institute).

NM_000368.5(TSC1):c.2519C>A (p.Ser840Ter)

Gene: TSC1 (TSC complex subunit 1; minus strand). Cytogenetic location: 9q34.13.
Variant type: single nucleotide variant.
Coding change: c.2519C>A on transcript NM_000368.5 (MANE Select); coding-DNA position 2519, C replaced by A.
Protein change: p.Ser840Ter; replaces serine 840 with a stop codon.
Molecular consequence: nonsense. On other transcripts: non-coding transcript variant (5).
Genome position (GRCh38, 1-based): chr9:132,900,821, G>T on the plus strand (C>A on the coding strand, the complement: TSC1 is on the minus strand). VCF-style: chr9-132900821-G-T. GRCh37 (hg19) VCF-style: chr9-135776208-G-T.
Other names: c.2516C>A, p.Ser839Ter (NM_001162426.2, NM_001406597.1, NM_001406598.1 and 2 more transcripts); c.2366C>A, p.Ser789Ter (NM_001162427.2, NM_001406610.1); c.2156C>A, p.Ser719Ter (NM_001362177.2, NM_001406614.1, NM_001406615.1 and 4 more transcripts); c.2519C>A, p.Ser840Ter (NM_001406592.1, NM_001406593.1, NM_001406594.1 and 2 more transcripts); c.2504C>A, p.Ser835Ter (NM_001406601.1, NM_001406602.1); c.2501C>A, p.Ser834Ter (NM_001406603.1, NM_001406604.1); c.2153C>A, p.Ser718Ter (NM_001406620.1, NM_001406621.1, NM_001406622.1 and 1 more transcripts); c.2114C>A, p.Ser705Ter (NM_001406624.1); and 8 more; short protein forms S719*, S788*, S826*, S839*, S840*, S523*, S718*, S774*.
Identifiers: ClinVar variation 3148658 (VCV003148658.2), dbSNP rs1564475110, ClinGen allele CA375370298.